The following is an entry in ClinVar:

ClinVar aggregate classification (germline): Uncertain significance (1 of 4 stars; one submission).

gnomAD v4.1: 62 of 1,612,272 alleles (0.0038%); no homozygotes.

Submission:

Labcorp Genetics (formerly Invitae), Labcorp
Classification: Uncertain significance. Last evaluated: 2022-03-17. Review status: criteria provided, single submitter. Criteria: Invitae Variant Classification Sherloc (09022015). Collection method: clinical testing. Allele origin: germline.
Comment: In summary, the available evidence is currently insufficient to determine the role of this variant in disease. Therefore, it has been classified as a Variant of Uncertain Significance. Algorithms developed to predict the effect of missense changes on protein structure and function are either unavailable or do not agree on the potential impact of this missense change (SIFT: "Not Available"; PolyPhen-2: "Benign"; Align-GVGD: "Not Available"). This variant has not been reported in the literature in individuals affected with PISD-related conditions. This variant is present in population databases (rs553274797, gnomAD 0.1%). This sequence change replaces arginine, which is basic and polar, with glycine, which is neutral and non-polar, at codon 81 of the PISD protein (p.Arg81Gly).

NM_001326411.2(PISD):c.241C>G (p.Arg81Gly)

Gene: PISD (phosphatidylserine decarboxylase; minus strand). Cytogenetic location: 22q12.2.
Variant type: single nucleotide variant.
Coding change: c.241C>G on transcript NM_001326411.2 (MANE Select); coding-DNA position 241, C replaced by G.
Protein change: p.Arg81Gly; replaces arginine 81 with glycine.
Molecular consequence: missense variant. On other transcripts: synonymous variant (2), 5 prime UTR variant (4).
Genome position (GRCh38, 1-based): chr22:31,648,181, G>C on the plus strand (C>G on the coding strand, the complement: PISD is on the minus strand). VCF-style: chr22-31648181-G-C. GRCh37 (hg19) VCF-style: chr22-32044167-G-C.
Other names: c.241C>G, p.Arg81Gly (NM_001326412.1, NM_001326421.1); c.12C>G, p.Thr4= (NM_001326413.2, NM_001326414.2); c.-282C>G (NM_001326415.2, NM_001326417.2, NM_001326419.2); c.-391C>G (NM_001326416.2); c.61C>G, p.Arg21Gly (NM_001326418.2, NM_001326420.2); short protein forms R21G, R81G.
Identifiers: ClinVar variation 1944014 (VCV001944014.5), dbSNP rs553274797, ClinGen allele CA10194973.